The following is an entry in ClinVar:

NM_030895.3(ZNF696):c.558C>T (p.Cys186=)

Gene: ZNF696 (zinc finger protein 696; plus strand). Cytogenetic location: 8q24.3.
Variant type: single nucleotide variant.
Coding change: c.558C>T on transcript NM_030895.3 (MANE Select); coding-DNA position 558, C replaced by T.
Protein change: p.Cys186=; no amino-acid change (cysteine 186 retained).
Molecular consequence: synonymous variant.
Genome position (GRCh38, 1-based): chr8:143,296,233, C>T. VCF-style: chr8-143296233-C-T. GRCh37 (hg19) VCF-style: chr8-144378403-C-T.
Identifiers: ClinVar variation 2658892 (VCV002658892.24), dbSNP rs146124944, ClinGen allele CA4907929.
Genomic context (GRCh38, chr8:143,296,233, plus strand): 5'-GCACGTGGTCCGGCACCAGCGGGCGCACAGCGGGGAGAGGCCCTACGCGTGCGCCGAGTG[C>T]GGCAAGGCCTTCGGCCAGAGCTTCAACCTCCTCCGGCACCAGCGCGTGCACACGGGCGAG-3'
Protein context (NP_112157.2, residues 176-196): SGERPYACAE[Cys186=]GKAFGQSFNL

ClinVar aggregate classification (germline): Likely benign (1 of 4 stars; one submission).

Allele frequency attached by ClinVar (database versions not stated): TOPMed 0.00004; gnomAD exomes 0.00005; ESP Exome Variant Server 0.00008; ExAC 0.00010; gnomAD 0.00013.

Submission:

CeGaT Center for Human Genetics Tuebingen
Classification: Likely benign. Last evaluated: 2023-04-01. Review status: criteria provided, single submitter. Criteria: CeGaT Center For Human Genetics Tuebingen Variant Classification Criteria Version 2. Collection method: clinical testing. Allele origin: germline. Affected: yes. Observed: 1 variant allele.
Comment: ZNF696: BP4, BP7